The following is an entry in ClinVar:

NM_020191.4(MRPS22):c.652_653del (p.Met218fs)

Gene: MRPS22 (mitochondrial ribosomal protein S22; plus strand). Cytogenetic location: 3q23.
Variant type: Deletion.
Coding change: c.652_653del on transcript NM_020191.4 (MANE Select); coding-DNA positions 652 to 653, 2 bases deleted (AT; older notation c.652_653delAT).
Protein change: p.Met218fs; shifts the reading frame from methionine 218.
Molecular consequence: frameshift variant.
Genome position (GRCh38, 1-based): chr3:139,350,980-139,350,981, AT deleted; deleting any 2 consecutive bases within chr3:139,350,979-139,350,981 gives the same sequence; the c. name uses the placement nearest the transcript's 3' end. VCF-style (leftmost placement, unchanged base first): chr3-139350978-CTA-C. GRCh37 (hg19) VCF-style: chr3-139069820-CTA-C.
Other names: c.529_530del, p.Met177fs (NM_001363857.1); c.649_650del, p.Met217fs (NM_001363893.1); short protein forms M177fs, M218fs, M217fs.
Identifiers: ClinVar variation 5006556 (VCV005006556.2).

ClinVar aggregate classification (germline): Likely pathogenic (1 of 4 stars; one submission).

Conditions:
Ovarian dysgenesis 7. Identifiers: MedGen C4748263, MONDO:0020857, OMIM 618117.
Hypotonia with lactic acidemia and hyperammonemia. Identifiers: Orphanet 137908, MedGen C2673642, MONDO:0012718, OMIM 611719.

Submission:

Juno Genomics, Hangzhou Juno Genomics, Inc
Classification: Likely pathogenic for Hypotonia with lactic acidemia and hyperammonemia; Ovarian dysgenesis 7. Review status: criteria provided, single submitter. Criteria: ACMG Guidelines, 2015. Collection method: clinical testing. Allele origin: germline.
Comment: Null variant in a gene where loss of function (LOF) is a known mechanism of disease.;Absent from controls (or at extremely low frequency if recessive) in Genome Aggregation Database.